The following is an entry in ClinVar:

NM_172107.4(KCNQ2):c.1489C>T (p.Arg497Cys)

Gene: KCNQ2 (potassium voltage-gated channel subfamily Q member 2; minus strand). Cytogenetic location: 20q13.33.
Variant type: single nucleotide variant.
Coding change: c.1489C>T on transcript NM_172107.4 (MANE Select); coding-DNA position 1489, C replaced by T.
Protein change: p.Arg497Cys; replaces arginine 497 with cysteine.
Molecular consequence: missense variant.
Genome position (GRCh38, 1-based): chr20:63,414,939, G>A on the plus strand (C>T on the coding strand, the complement: KCNQ2 is on the minus strand). VCF-style: chr20-63414939-G-A. GRCh37 (hg19) VCF-style: chr20-62046292-G-A.
Other names: c.1405C>T, p.Arg469Cys (NM_004518.6); c.1435C>T, p.Arg479Cys (NM_172106.3); c.1399C>T, p.Arg467Cys (NM_172108.5); short protein forms R469C, R479C, R467C, R497C.
Identifiers: ClinVar variation 840173 (VCV000840173.14), dbSNP rs540461827, ClinGen allele CA9958449.

ClinVar aggregate classification (germline): Uncertain significance. Review status: criteria provided, multiple submitters, no conflicts (2 of 4 stars). 3 submissions from 3 submitters: Uncertain significance (3). Last evaluated 2025-06-07.

Conditions:
Early-infantile DEE. Also called: Ohtahara syndrome; Early infantile epileptic encephalopathy with suppression bursts; Early infantile epileptic encephalopathy. Identifiers: Orphanet 1934, MedGen C0393706, MONDO:0800491.
Inborn genetic diseases. Identifiers: MedGen C0950123, MeSH D030342.

Allele frequency attached by ClinVar (database versions not stated): gnomAD 0.00001; gnomAD exomes 0.00001; TOPMed 0.00002; ExAC 0.00003; 1000 Genomes Project 30x 0.00016; 1000 Genomes Project 0.00020.
gnomAD v4.1: 21 of 1,612,746 alleles (0.0013%); highest among the groups gnomAD compares: Non-Finnish European, 0.0017%; no homozygotes.

Submissions (3):

Ambry Genetics
Classification: Uncertain significance for Inborn genetic diseases. Last evaluated: 2025-06-07. Review status: criteria provided, single submitter. Criteria: Ambry Variant Classification Scheme 2023. Collection method: clinical testing. Allele origin: germline.

Labcorp Genetics (formerly Invitae), Labcorp
Classification: Uncertain significance for Early-infantile DEE. Last evaluated: 2025-01-30. Review status: criteria provided, single submitter. Criteria: Invitae Variant Classification Sherloc (09022015). Collection method: clinical testing. Allele origin: germline.
Comment: This sequence change replaces arginine, which is basic and polar, with cysteine, which is neutral and slightly polar, at codon 497 of the KCNQ2 protein (p.Arg497Cys). This variant is present in population databases (rs540461827, gnomAD 0.005%). This variant has not been reported in the literature in individuals affected with KCNQ2-related conditions. ClinVar contains an entry for this variant (Variation ID: 840173). Invitae Evidence Modeling of protein sequence and biophysical properties (such as structural, functional, and spatial information, amino acid conservation, physicochemical variation, residue mobility, and thermodynamic stability) indicates that this missense variant is expected to disrupt KCNQ2 protein function with a positive predictive value of 95%. In summary, the available evidence is currently insufficient to determine the role of this variant in disease. Therefore, it has been classified as a Variant of Uncertain Significance.

Revvity Omics, Revvity
Classification: Uncertain significance. Last evaluated: 2021-10-13. Review status: criteria provided, single submitter. Criteria: ACMG Guidelines, 2015. Collection method: clinical testing. Allele origin: germline.